The following is an entry in ClinVar:

NM_020971.3(SPTBN4):c.4862T>A (p.Phe1621Tyr)

Gene: SPTBN4 (spectrin beta, non-erythrocytic 4; plus strand). Cytogenetic location: 19q13.2.
Variant type: single nucleotide variant.
Coding change: c.4862T>A on transcript NM_020971.3 (MANE Select); coding-DNA position 4862, T replaced by A.
Protein change: p.Phe1621Tyr; replaces phenylalanine 1621 with tyrosine.
Molecular consequence: missense variant.
Genome position (GRCh38, 1-based): chr19:40,554,334, T>A. VCF-style: chr19-40554334-T-A. GRCh37 (hg19) VCF-style: chr19-41060240-T-A.
Other names: c.890T>A, p.Phe297Tyr (NM_025213.3); short protein forms F1621Y, F297Y.
Identifiers: ClinVar variation 1806026 (VCV001806026.7), dbSNP rs374855722, ClinGen allele CA9446319.

ClinVar aggregate classification (germline): Conflicting classifications of pathogenicity. Review status: criteria provided, conflicting classifications (1 of 4 stars). 4 submissions from 4 submitters: Uncertain significance (2); Likely benign (2). Last evaluated 2024-11-07.

Conditions:
Neurodevelopmental disorder with hypotonia, neuropathy, and deafness (NEDHND). Also called: Myopathy, congenital, with neuropathy and deafness; SPTBN4 Disorder. Identifiers: MedGen C4479603, MONDO:0060496, OMIM 617519.
Inborn genetic diseases. Identifiers: MedGen C0950123, MeSH D030342.

Allele frequency attached by ClinVar (database versions not stated): TOPMed 0.00017; gnomAD 0.00019; ExAC 0.00048.
gnomAD v4.1: 139 of 1,565,180 alleles (0.0089%); highest among the groups gnomAD compares: East Asian, 0.065%; 3 homozygotes.

Submissions (4):

Blueprint Genetics
Classification: Likely benign. Last evaluated: 2024-11-07. Review status: criteria provided, single submitter. Criteria: ACMG Guidelines, 2015. Collection method: clinical testing. Allele origin: germline.

Ambry Genetics
Classification: Uncertain significance for Inborn genetic diseases. Last evaluated: 2024-09-03. Review status: criteria provided, single submitter. Criteria: Ambry Variant Classification Scheme 2023. Collection method: clinical testing. Allele origin: germline.

Labcorp Genetics (formerly Invitae), Labcorp
Classification: Likely benign. Last evaluated: 2021-10-27. Review status: criteria provided, single submitter. Criteria: Invitae Variant Classification Sherloc (09022015). Collection method: clinical testing. Allele origin: germline.

Victorian Clinical Genetics Services, Murdoch Childrens Research Institute
Classification: Uncertain significance for Neurodevelopmental disorder with hypotonia, neuropathy, and deafness. Last evaluated: 2020-05-26. Review status: criteria provided, single submitter. Criteria: ACMG Guidelines, 2015. Collection method: clinical testing. Allele origin: germline. Inheritance: Autosomal recessive inheritance. Affected: yes.
Comment: Based on the classification scheme VCGS_Germline_v0.6.1, this variant is classified as a 3B-VUS. Following criteria are met: 0102 - Loss of function is a known mechanism of disease for this gene. (N) 0106 - This gene is known to be associated with autosomal recessive disease. (N) 0200 - Variant is predicted to result in a missense amino acid change from a phenylalanine to a tyrosine (exon 23). (N) 0304 - Variant is present in gnomAD <0.01 for recessive indication (18 heterozygotes, 0 homozygotes). (P) 0502 - Missense variant with conflicting in silico predictions and uninformative conservation. (N) 0600 - Variant is located in an annotated domain or motif that does not have a well established function (linker region of a spectrin repeat). (N) 0705 - No comparable variants in relevant codon/region have previous evidence for pathogenicity. (N) 0807 - Variant has not previously been reported in a clinical context. (N) 0905 - No published segregation evidence has been identified for this variant. (N) 1007 - No published functional evidence has been identified for this variant. (N) Legend: (P) - Pathogenic, (N) - Neutral, (B) - Benign